The following is an entry in ClinVar:

ClinVar aggregate classification (germline): Likely benign (1 of 4 stars; one submission).

gnomAD v4.1: 3 of 1,610,624 alleles (0.00019%); highest among the groups gnomAD compares: Non-Finnish European, 0.00025%; no homozygotes.

Submission:

CeGaT Center for Human Genetics Tuebingen
Classification: Likely benign. Last evaluated: 2023-06-01. Review status: criteria provided, single submitter. Criteria: CeGaT Center For Human Genetics Tuebingen Variant Classification Criteria Version 2. Collection method: clinical testing. Allele origin: germline. Affected: yes. Observed: 1 variant allele.
Comment: FGD4: BP4, BP7

NM_001370298.3(FGD4):c.1098T>C (p.Asp366=)

Gene: FGD4 (FYVE, RhoGEF and PH domain containing 4; plus strand). Cytogenetic location: 12p11.21.
Variant type: single nucleotide variant.
Coding change: c.1098T>C on transcript NM_001370298.3 (MANE Select); coding-DNA position 1098, T replaced by C.
Protein change: p.Asp366=; no amino-acid change (aspartic acid 366 retained).
Molecular consequence: synonymous variant. On other transcripts: 5 prime UTR variant (2).
Genome position (GRCh38, 1-based): chr12:32,598,583, T>C. VCF-style: chr12-32598583-T-C. GRCh37 (hg19) VCF-style: chr12-32751517-T-C.
Other names: c.942T>C, p.Asp314= (NM_001304481.2); c.-158T>C (NM_001304483.2); c.-465T>C (NM_001304484.2); c.408T>C, p.Asp136= (NM_001330373.2, NM_001330374.2, NM_001384130.1); c.135T>C, p.Asp45= (NM_001370297.1); c.1098T>C, p.Asp366= (NM_001384126.1); c.687T>C, p.Asp229= (NM_001384127.1, NM_001384128.1, NM_001385118.1 and 1 more transcripts).
Identifiers: ClinVar variation 2642836 (VCV002642836.24), dbSNP rs765738675, ClinGen allele CA6506691.